The following is an entry in ClinVar:

ClinVar aggregate classification (germline): Uncertain significance (1 of 4 stars; one submission).

Conditions:
Catecholaminergic polymorphic ventricular tachycardia 1. Also called: RYR2-Related Catecholaminergic Polymorphic Ventricular Tachycardia; VENTRICULAR TACHYCARDIA, STRESS-INDUCED POLYMORPHIC 1; VENTRICULAR TACHYCARDIA, CATECHOLAMINERGIC POLYMORPHIC, 1, WITH OR WITHOUT ATRIAL DYSFUNCTION AND/OR DILATED CARDIOMYOPATHY. Identifiers: Orphanet 3286, MedGen C1631597, MONDO:0011484, OMIM 604772.

Submission:

Labcorp Genetics (formerly Invitae), Labcorp
Classification: Uncertain significance for Catecholaminergic polymorphic ventricular tachycardia 1. Last evaluated: 2025-07-27. Review status: criteria provided, single submitter. Criteria: Invitae Variant Classification Sherloc (09022015). Collection method: clinical testing. Allele origin: germline.
Comment: This sequence change replaces proline, which is neutral and non-polar, with serine, which is neutral and polar, at codon 145 of the CASQ2 protein (p.Pro145Ser). This variant is present in population databases (rs773111433, gnomAD 0.02%). This variant has not been reported in the literature in individuals affected with CASQ2-related conditions. Invitae Evidence Modeling of protein sequence and biophysical properties (such as structural, functional, and spatial information, amino acid conservation, physicochemical variation, residue mobility, and thermodynamic stability) indicates that this missense variant is not expected to disrupt CASQ2 protein function with a negative predictive value of 80%. In summary, the available evidence is currently insufficient to determine the role of this variant in disease. Therefore, it has been classified as a Variant of Uncertain Significance.

NM_001232.4(CASQ2):c.433C>T (p.Pro145Ser)

Gene: CASQ2 (calsequestrin 2; minus strand). Cytogenetic location: 1p13.1.
Variant type: single nucleotide variant.
Coding change: c.433C>T on transcript NM_001232.4 (MANE Select); coding-DNA position 433, C replaced by T.
Protein change: p.Pro145Ser; replaces proline 145 with serine.
Molecular consequence: missense variant.
Genome position (GRCh38, 1-based): chr1:115,738,323, G>A on the plus strand (C>T on the coding strand, the complement: CASQ2 is on the minus strand). VCF-style: chr1-115738323-G-A. GRCh37 (hg19) VCF-style: chr1-116280944-G-A.
Other names: short protein forms P145S.
Identifiers: ClinVar variation 4754665 (VCV004754665.1).